The following is an entry in ClinVar:

NM_015272.5(RPGRIP1L):c.1177G>A (p.Glu393Lys)

Gene: RPGRIP1L (RPGRIP1 like; minus strand). Cytogenetic location: 16q12.2.
Variant type: single nucleotide variant.
Coding change: c.1177G>A on transcript NM_015272.5 (MANE Select); coding-DNA position 1177, G replaced by A.
Protein change: p.Glu393Lys; replaces glutamic acid 393 with lysine.
Molecular consequence: missense variant.
Genome position (GRCh38, 1-based): chr16:53,664,936, C>T on the plus strand (G>A on the coding strand, the complement: RPGRIP1L is on the minus strand). VCF-style: chr16-53664936-C-T. GRCh37 (hg19) VCF-style: chr16-53698848-C-T.
Other names: c.1177G>A, p.Glu393Lys (NM_001127897.4, NM_001308334.3, NM_001330538.2); c.1177G>A (NM_015272.4); short protein forms E393K.
Identifiers: ClinVar variation 971736 (VCV000971736.18), dbSNP rs375776718, ClinGen allele CA8057882.
Genomic context (GRCh38, chr16:53,664,936, plus strand): 5'-CAGTTTTTAATCTGTCAAGGATTTCAGTTTTGTCTGTTAAGTCAGACTTCAAGGCAGTCT[C>T]GAGCTGAGCAATCTGCACTTTCAGCTGTTGCTCCTTTAACTTCCATTGCTCTTCATGGGC-3'
Protein context (NP_056087.2, residues 383-403): QQLKVQIAQL[Glu393Lys]TALKSDLTDK

ClinVar aggregate classification (germline): Uncertain significance. Review status: criteria provided, multiple submitters, no conflicts (2 of 4 stars). 6 submissions from 6 submitters: Uncertain significance (5). 1 of the submissions does not count toward it. Last evaluated 2026-08-10.

Conditions:
RPGRIP1L-related disorder. Also called: RPGRIP1L-related condition; RPGRIP1L-related disorders. Identifiers: MedGen CN239416.
Meckel-Gruber syndrome. Also called: GRUBER SYNDROME; Dysencephalia splachnocystica; DYSENCEPHALIA SPLANCHNOCYSTICA. Identifiers: Orphanet 564, MedGen C0265215, MONDO:0018921.
Joubert syndrome. Also called: Familial aplasia of the vermis; JOUBERT-BOLTSHAUSER SYNDROME. Identifiers: Orphanet 475, MedGen C5979921, MONDO:0018772.

Allele frequency attached by ClinVar (database versions not stated): ESP Exome Variant Server 0.00008; gnomAD 0.00020 and 0.00021; TOPMed 0.00020.
gnomAD v4.1: 243 of 1,613,228 alleles (0.015%); highest among the groups gnomAD compares: Admixed American, 0.043%; no homozygotes.

Submissions (6):

PreventionGenetics, part of Exact Sciences
Classification: Uncertain significance for RPGRIP1L-related condition. Last evaluated: 2026-08-10. Review status: criteria provided, single submitter. Criteria: ACMG Guidelines, 2015. Collection method: clinical testing. Allele origin: germline.
Comment: The RPGRIP1L c.1177G>A variant is predicted to result in the amino acid substitution p.Glu393Lys. This variant was reported in an individual with Joubert syndrome (Wolf et al. 2007. PubMed ID: 17960139; Otto et al. 2010. PubMed ID: 21068128), although a second potentially pathogenic variant was not identified. This variant is reported in 0.040% of alleles in individuals of Latino descent in gnomAD. At this time, the clinical significance of this variant is uncertain due to the absence of conclusive functional and genetic evidence.

GeneDx
Classification: Uncertain significance. Last evaluated: 2025-04-25. Review status: criteria provided, single submitter. Criteria: GeneDx Variant Classification Process June 2021. Collection method: clinical testing. Allele origin: germline. Affected: yes.
Comment: Identified in an individual with Joubert syndrome who inherited the variant from an unaffected parent; however, a second RPGRIP1L variant was not detected (PMID: 17960139); In silico analysis supports that this missense variant has a deleterious effect on protein structure/function; This variant is associated with the following publications: (PMID: 18046420, 34426522, 19574260, 31964843, 17960139, 21068128)

Labcorp Genetics (formerly Invitae), Labcorp
Classification: Uncertain significance for Joubert syndrome; Meckel-Gruber syndrome. Last evaluated: 2024-12-23. Review status: criteria provided, single submitter. Criteria: Invitae Variant Classification Sherloc (09022015). Collection method: clinical testing. Allele origin: germline.
Comment: This sequence change replaces glutamic acid, which is acidic and polar, with lysine, which is basic and polar, at codon 393 of the RPGRIP1L protein (p.Glu393Lys). This variant is present in population databases (rs375776718, gnomAD 0.03%). This missense change has been observed in individual(s) with renal disease (PMID: 17960139). ClinVar contains an entry for this variant (Variation ID: 971736). Invitae Evidence Modeling of protein sequence and biophysical properties (such as structural, functional, and spatial information, amino acid conservation, physicochemical variation, residue mobility, and thermodynamic stability) indicates that this missense variant is expected to disrupt RPGRIP1L protein function with a positive predictive value of 80%. In summary, the available evidence is currently insufficient to determine the role of this variant in disease. Therefore, it has been classified as a Variant of Uncertain Significance.

Blueprint Genetics
Classification: Uncertain significance. Last evaluated: 2023-08-31. Review status: criteria provided, single submitter. Criteria: ACMG Guidelines, 2015. Collection method: clinical testing. Allele origin: germline.

Women's Health and Genetics/Laboratory Corporation of America, LabCorp
Classification: Uncertain significance. Last evaluated: 2022-05-18. Review status: criteria provided, single submitter. Criteria: LabCorp Variant Classification Summary - May 2015. Collection method: clinical testing. Allele origin: germline.
Comment: Variant summary: RPGRIP1L c.1177G>A (p.Glu393Lys) results in a conservative amino acid change in the encoded protein sequence. Four of five in-silico tools predict a damaging effect of the variant on protein function. The variant allele was found at a frequency of 0.00016 in 250374 control chromosomes (gnomAD). This frequency is not higher than expected for a pathogenic variant in RPGRIP1L causing Joubert Syndrome And Related Disorders (0.00016 vs 0.00079), allowing no conclusion about variant significance. c.1177G>A has been reported in the literature in the heterozygous state in an individual affected with Joubert Syndrome And Related Disorders who also carried two heterozygous TMEM67 variants, of which at least one of them is known to be pathogenic (Wolf_2007, Otto_2011). These reports do not provide unequivocal conclusions about association of the variant with Joubert Syndrome And Related Disorders. To our knowledge, no experimental evidence demonstrating an impact on protein function has been reported. Three ClinVar submitters (evaluation after 2014) cite the variant as uncertain significance. Based on the evidence outlined above, the variant was classified as uncertain significance.

Natera, Inc.
Classification: Uncertain significance for Joubert syndrome. Last evaluated: 2020-01-24. Review status: no assertion criteria provided. Collection method: clinical testing. Allele origin: germline. Not counted in ClinVar's aggregate classification.

Literature cited by the submitters: PubMed 17960139 (cited by Labcorp Genetics (formerly Invitae), Labcorp and Women's Health and Genetics/Laboratory Corporation of America, LabCorp); PubMed 21068128 (cited by Women's Health and Genetics/Laboratory Corporation of America, LabCorp).